The following is an entry in ClinVar:

ClinVar aggregate classification (germline): Likely benign (0 of 4 stars; one submission).

Conditions:
CEP135-related disorder. Also called: CEP135-related condition.

Allele frequency attached by ClinVar (database versions not stated): ExAC 0.00001; gnomAD 0.00001; gnomAD exomes 0.00001; TOPMed 0.00001.
gnomAD v4.1: 19 of 1,610,392 alleles (0.0012%); highest among the groups gnomAD compares: Non-Finnish European, 0.0016%; no homozygotes.

Submission:

PreventionGenetics, part of Exact Sciences
Classification: Likely benign for CEP135-related condition. Last evaluated: 2023-02-09. Review status: no assertion criteria provided. Collection method: clinical testing. Allele origin: germline.
Comment: This variant is classified as likely benign based on ACMG/AMP sequence variant interpretation guidelines (Richards et al. 2015 PMID: 25741868, with internal and published modifications).

NM_025009.5(CEP135):c.473-7T>C

Gene: CEP135 (centrosomal protein 135; plus strand). Cytogenetic location: 4q12.
Variant type: single nucleotide variant.
Coding change: c.473-7T>C on transcript NM_025009.5 (MANE Select); 7 bases into the intron before coding-DNA position 473, T replaced by C.
Molecular consequence: intron variant.
Genome position (GRCh38, 1-based): chr4:55,957,216, T>C. VCF-style: chr4-55957216-T-C. GRCh37 (hg19) VCF-style: chr4-56823382-T-C.
Identifiers: ClinVar variation 3052427 (VCV003052427.2), dbSNP rs763219938, ClinGen allele CA2927569.